The following is an entry in ClinVar:

NM_006245.4(PPP2R5D):c.266C>T (p.Ser89Phe)

Gene: PPP2R5D (protein phosphatase 2 regulatory subunit B'delta; plus strand). Cytogenetic location: 6p21.1.
Variant type: single nucleotide variant.
Coding change: c.266C>T on transcript NM_006245.4 (MANE Select); coding-DNA position 266, C replaced by T.
Protein change: p.Ser89Phe; replaces serine 89 with phenylalanine.
Molecular consequence: missense variant. On other transcripts: 5 prime UTR variant (1), intron variant (2).
Genome position (GRCh38, 1-based): chr6:43,006,623, C>T. VCF-style: chr6-43006623-C-T. GRCh37 (hg19) VCF-style: chr6-42974361-C-T.
Other names: c.-188C>T (NM_001270476.2); c.249+17C>T (NM_180976.3); c.28-311C>T (NM_180977.3); short protein forms S89F.
Identifiers: ClinVar variation 1910185 (VCV001910185.5), dbSNP rs1024917557, ClinGen allele CA138249425.

ClinVar aggregate classification (germline): Uncertain significance (1 of 4 stars; one submission).

Allele frequency attached by ClinVar (database versions not stated): gnomAD exomes below 0.00001; gnomAD 0.00002; TOPMed 0.00002.
gnomAD v4.1: 4 of 1,614,048 alleles (0.00025%); highest among the groups gnomAD compares: African/African-American, 0.004%; no homozygotes.

Submission:

Labcorp Genetics (formerly Invitae), Labcorp
Classification: Uncertain significance. Last evaluated: 2025-01-27. Review status: criteria provided, single submitter. Criteria: Invitae Variant Classification Sherloc (09022015). Collection method: clinical testing. Allele origin: germline.
Comment: This sequence change replaces serine, which is neutral and polar, with phenylalanine, which is neutral and non-polar, at codon 89 of the PPP2R5D protein (p.Ser89Phe). This variant is present in population databases (no rsID available, gnomAD 0.007%). This variant has not been reported in the literature in individuals affected with PPP2R5D-related conditions. ClinVar contains an entry for this variant (Variation ID: 1910185). An algorithm developed to predict the effect of missense changes on protein structure and function (PolyPhen-2) suggests that this variant is likely to be disruptive. In summary, the available evidence is currently insufficient to determine the role of this variant in disease. Therefore, it has been classified as a Variant of Uncertain Significance.